The following is an entry in ClinVar:

ClinVar aggregate classification (germline): Benign/Likely benign. Review status: criteria provided, multiple submitters, no conflicts (2 of 4 stars). 4 submissions from 4 submitters: Benign (1); Likely benign (3). Last evaluated 2026-04-01.

Allele frequency attached by ClinVar (database versions not stated): gnomAD exomes 0.00009 and 0.00011; ExAC 0.00070; ESP Exome Variant Server 0.00096; 1000 Genomes Project 0.00100; gnomAD 0.00114 and 0.00130; 1000 Genomes Project 30x 0.00125; TOPMed 0.00136.
gnomAD v4.1: 292 of 1,441,336 alleles (0.02%); highest among the groups gnomAD compares: African/African-American, 0.39%; 2 homozygotes.

Submissions (4):

CeGaT Center for Human Genetics Tuebingen
Classification: Likely benign. Last evaluated: 2026-04-01. Review status: criteria provided, single submitter. Criteria: CeGaT Center For Human Genetics Tuebingen Variant Classification Criteria Version 2. Collection method: clinical testing. Allele origin: germline. Affected: yes. Observed: 3 variant alleles.
Comment: DEAF1: BP4, BP7

Labcorp Genetics (formerly Invitae), Labcorp
Classification: Benign. Last evaluated: 2026-01-28. Review status: criteria provided, single submitter. Criteria: Invitae Variant Classification Sherloc (09022015). Collection method: clinical testing. Allele origin: germline.

Genetic Services Laboratory, University of Chicago
Classification: Likely benign. Last evaluated: 2016-12-17. Review status: criteria provided, single submitter. Criteria: ACMG Guidelines, 2015. Collection method: clinical testing. Allele origin: germline. Affected: no.

Breakthrough Genomics
Classification: Likely benign. Review status: criteria provided, single submitter. Criteria: ACMG Guidelines, 2015. Collection method: not provided. Allele origin: germline. Inheritance: Autosomal recessive inheritance. Affected: yes.

NM_021008.4(DEAF1):c.231C>T (p.Asp77=)

Gene: DEAF1 (DEAF1 transcription factor; minus strand). Cytogenetic location: 11p15.5.
Variant type: single nucleotide variant.
Coding change: c.231C>T on transcript NM_021008.4 (MANE Select); coding-DNA position 231, C replaced by T.
Protein change: p.Asp77=; no amino-acid change (aspartic acid 77 retained).
Molecular consequence: synonymous variant. On other transcripts: intron variant (1).
Genome position (GRCh38, 1-based): chr11:694,817, G>A on the plus strand (C>T on the coding strand, the complement: DEAF1 is on the minus strand). VCF-style: chr11-694817-G-A. GRCh37 (hg19) VCF-style: chr11-694817-G-A.
Other names: c.231C>T, p.Asp77= (NM_001293634.2); c.-437-3219C>T (NM_001367390.1).
Identifiers: ClinVar variation 434927 (VCV000434927.52), dbSNP rs371538775, ClinGen allele CA5786621.
Genomic context (GRCh38, chr11:694,817, plus strand): 5'-GCCTGCGAAGGCTGCGGCAGCGGCGGCCTCGTCGGGGCCGGGCAGGGCCTCGGCGCCCAT[G>A]TCCATGTGCCCGGGCTCCGCCGCCATCACCGCCACTGCCGTGACCCGCGGCGTCTCCCGC-3'
Protein context (NP_066288.2, residues 67-87): AVMAAEPGHM[Asp77=]MGAEALPGPD